The following is an entry in ClinVar:

NM_000195.5(HPS1):c.1633A>G (p.Ile545Val)

Gene: HPS1 (HPS1 biogenesis of lysosomal organelles complex 3 subunit 1; minus strand). Cytogenetic location: 10q24.2.
Variant type: single nucleotide variant.
Coding change: c.1633A>G on transcript NM_000195.5 (MANE Select); coding-DNA position 1633, A replaced by G.
Protein change: p.Ile545Val; replaces isoleucine 545 with valine.
Molecular consequence: missense variant.
Genome position (GRCh38, 1-based): chr10:98,422,479, T>C on the plus strand (A>G on the coding strand, the complement: HPS1 is on the minus strand). VCF-style: chr10-98422479-T-C. GRCh37 (hg19) VCF-style: chr10-100182236-T-C.
Other names: c.1534A>G, p.Ile512Val (NM_001322479.2, NM_001322478.2); c.1372A>G, p.Ile458Val (NM_001322480.2, NM_001322481.2); c.1273A>G, p.Ile425Val (NM_001322482.2); c.1264A>G, p.Ile422Val (NM_001322483.2, NM_001322484.2); c.1165A>G, p.Ile389Val (NM_001322485.2); c.661A>G, p.Ile221Val (NM_001322487.2, NM_001322489.2, NM_001311345.2); c.1633A>G, p.Ile545Val (NM_001322476.2, NM_001322477.2); c.1633A>G (NM_000195.3); short protein forms I221V, I458V, I425V, I545V, I389V, I422V, I512V.
Identifiers: ClinVar variation 2142467 (VCV002142467.3), dbSNP rs202103570, ClinGen allele CA5638937.
Genomic context (GRCh38, chr10:98,422,479, plus strand): 5'-TCTTTTGACTGCAGTTGAGGGAAGGCGCCACCATCTGCCCAGTGGTGCGGTCCACATAGA[T>C]GAAGTGCACCAAGCCTGGGAAGTCTTCTAGGTAGGTGAAGGTCTGAGTTAAGGTGCTTAC-3'
Protein context (NP_000186.2, residues 535-555): LEDFPGLVHF[Ile545Val]YVDRTTGQMV

ClinVar aggregate classification (germline): Conflicting classifications of pathogenicity. Review status: criteria provided, conflicting classifications (1 of 4 stars). 3 submissions from 3 submitters: Uncertain significance (2); Likely benign (1). Last evaluated 2025-12-08.

Conditions:
Inborn genetic diseases. Identifiers: MedGen C0950123, MeSH D030342.
Hermansky-Pudlak syndrome 1 (HPS1). Also called: DELTA STORAGE POOL DISEASE. Identifiers: Orphanet 231500, Orphanet 79430, MedGen C2931875, MONDO:0008748, OMIM 203300.

Allele frequency attached by ClinVar (database versions not stated): gnomAD exomes 0.00001; ExAC 0.00007; TOPMed 0.00012; ESP Exome Variant Server 0.00015; 1000 Genomes Project 30x 0.00062; 1000 Genomes Project 0.00080.
gnomAD v4.1: 40 of 1,614,124 alleles (0.0025%); highest among the groups gnomAD compares: African/African-American, 0.049%; 1 homozygote.

Submissions (3):

Ambry Genetics
Classification: Uncertain significance for Inborn genetic diseases. Last evaluated: 2025-12-08. Review status: criteria provided, single submitter. Criteria: Ambry Variant Classification Scheme 2023. Collection method: clinical testing. Allele origin: germline.

Fulgent Genetics
Classification: Likely benign for Hermansky-Pudlak syndrome 1. Last evaluated: 2024-03-01. Review status: criteria provided, single submitter. Criteria: ACMG Guidelines, 2015. Collection method: clinical testing. Allele origin: germline.

Labcorp Genetics (formerly Invitae), Labcorp
Classification: Uncertain significance. Last evaluated: 2022-07-26. Review status: criteria provided, single submitter. Criteria: Invitae Variant Classification Sherloc (09022015). Collection method: clinical testing. Allele origin: germline.
Comment: This sequence change replaces isoleucine, which is neutral and non-polar, with valine, which is neutral and non-polar, at codon 545 of the HPS1 protein (p.Ile545Val). This variant is present in population databases (rs202103570, gnomAD 0.05%). This variant has not been reported in the literature in individuals affected with HPS1-related conditions. Algorithms developed to predict the effect of missense changes on protein structure and function are either unavailable or do not agree on the potential impact of this missense change (SIFT: "Tolerated"; PolyPhen-2: "Probably Damaging"; Align-GVGD: "Class C0"). In summary, the available evidence is currently insufficient to determine the role of this variant in disease. Therefore, it has been classified as a Variant of Uncertain Significance.